The following is an entry in ClinVar:

ClinVar aggregate classification (germline): Uncertain significance (1 of 4 stars; one submission).

Conditions:
Inborn genetic diseases. Identifiers: MedGen C0950123, MeSH D030342.

Allele frequency attached by ClinVar (database versions not stated): gnomAD 0.00003; ExAC 0.00010.
gnomAD v4.1: 109 of 1,614,192 alleles (0.0068%); highest among the groups gnomAD compares: South Asian, 0.086%; no homozygotes.

Submission:

Ambry Genetics
Classification: Uncertain significance for Inborn genetic diseases. Last evaluated: 2021-11-02. Review status: criteria provided, single submitter. Criteria: Ambry Variant Classification Scheme 2023. Collection method: clinical testing. Allele origin: germline.
Comment: The p.A8P variant (also known as c.22G>C), located in coding exon 1 of the BCKDHA gene, results from a G to C substitution at nucleotide position 22. The alanine at codon 8 is replaced by proline, an amino acid with highly similar properties. This amino acid position is conserved. In addition, the in silico prediction for this alteration is inconclusive. Since supporting evidence is limited at this time, the clinical significance of this alteration remains unclear.

NM_000709.4(BCKDHA):c.22G>C (p.Ala8Pro)

Gene: BCKDHA (branched chain keto acid dehydrogenase E1 subunit alpha; plus strand). Cytogenetic location: 19q13.2.
Variant type: single nucleotide variant.
Coding change: c.22G>C on transcript NM_000709.4 (MANE Select); coding-DNA position 22, G replaced by C.
Protein change: p.Ala8Pro; replaces alanine 8 with proline.
Molecular consequence: missense variant.
Genome position (GRCh38, 1-based): chr19:41,397,849, G>C. VCF-style: chr19-41397849-G-C. GRCh37 (hg19) VCF-style: chr19-41903754-G-C.
Other names: c.22G>C, p.Ala8Pro (NM_001164783.2); short protein forms A8P.
Identifiers: ClinVar variation 1789268 (VCV001789268.2), dbSNP rs768230182, ClinGen allele CA9460965.